The following is an entry in ClinVar:

ClinVar aggregate classification (germline): Benign/Likely benign. Review status: criteria provided, multiple submitters, no conflicts (2 of 4 stars). 2 submissions from 2 submitters: Benign (1); Likely benign (1). Last evaluated 2025-03-31.

Conditions:
Hereditary cancer-predisposing syndrome. Also called: Hereditary neoplastic syndrome; Neoplastic Syndromes, Hereditary; Tumor predisposition; Hereditary Cancer Syndrome. Identifiers: Orphanet 140162, MedGen C0027672, MeSH D009386, MONDO:0015356.
Peutz-Jeghers syndrome (PJS). Also called: POLYPOSIS, HAMARTOMATOUS INTESTINAL; POLYPS-AND-SPOTS SYNDROME; Peutz-Jeghers polyposis; Periorificial lentiginosis syndrome. Identifiers: Orphanet 2869, MedGen C0031269, MeSH D010580, MONDO:0008280, OMIM 175200.

Allele frequency attached by ClinVar (database versions not stated): gnomAD exomes below 0.00001.
gnomAD v4.1: 2 of 1,544,706 alleles (0.00013%); highest among the groups gnomAD compares: East Asian, 0.0024%; no homozygotes.

Submissions (2):

Myriad Genetics, Inc.
Classification: Benign for Peutz-Jeghers syndrome. Last evaluated: 2025-03-31. Review status: criteria provided, single submitter. Criteria: Myriad Autosomal Dominant, Autosomal Recessive and X-Linked Classification Criteria (2023). Collection method: clinical testing. Allele origin: unknown.
Comment: This variant is considered benign. This variant is a silent/synonymous amino acid change and it is not expected to impact splicing.

Ambry Genetics
Classification: Likely benign for Hereditary cancer-predisposing syndrome. Last evaluated: 2015-12-30. Review status: criteria provided, single submitter. Criteria: Ambry Variant Classification Scheme 2023. Collection method: clinical testing. Allele origin: germline.

NM_000455.5(STK11):c.1281G>A (p.Leu427=)

Gene: STK11 (serine/threonine kinase 11; plus strand). Cytogenetic location: 19p13.3.
Variant type: single nucleotide variant.
Coding change: c.1281G>A on transcript NM_000455.5 (MANE Select); coding-DNA position 1281, G replaced by A.
Protein change: p.Leu427=; no amino-acid change (leucine 427 retained).
Molecular consequence: synonymous variant.
Genome position (GRCh38, 1-based): chr19:1,226,626, G>A. VCF-style: chr19-1226626-G-A. GRCh37 (hg19) VCF-style: chr19-1226625-G-A.
Identifiers: ClinVar variation 480701 (VCV000480701.6), dbSNP rs1555740278, ClinGen allele CA504708557.